The following is an entry in ClinVar:

ClinVar aggregate classification (germline): Uncertain significance (1 of 4 stars; one submission).

Allele frequency attached by ClinVar (database versions not stated): gnomAD 0.00002; 1000 Genomes Project 30x 0.00031; 1000 Genomes Project 0.00040.
gnomAD v4.1: 20 of 1,609,782 alleles (0.0012%); highest among the groups gnomAD compares: East Asian, 0.0089%; no homozygotes.

Submission:

Labcorp Genetics (formerly Invitae), Labcorp
Classification: Uncertain significance. Last evaluated: 2022-04-17. Review status: criteria provided, single submitter. Criteria: Invitae Variant Classification Sherloc (09022015). Collection method: clinical testing. Allele origin: germline.
Comment: This sequence change replaces glutamic acid, which is acidic and polar, with glutamine, which is neutral and polar, at codon 1802 of the OBSL1 protein (p.Glu1802Gln). This variant is present in population databases (rs537840150, gnomAD 0.02%). This variant has not been reported in the literature in individuals affected with OBSL1-related conditions. Algorithms developed to predict the effect of missense changes on protein structure and function are either unavailable or do not agree on the potential impact of this missense change (SIFT: "Deleterious"; PolyPhen-2: "Benign"; Align-GVGD: "Class C0"). In summary, the available evidence is currently insufficient to determine the role of this variant in disease. Therefore, it has been classified as a Variant of Uncertain Significance.

NM_015311.3(OBSL1):c.5404G>C (p.Glu1802Gln)

Gene: OBSL1 (obscurin like cytoskeletal adaptor 1; minus strand). Cytogenetic location: 2q35.
Variant type: single nucleotide variant.
Coding change: c.5404G>C on transcript NM_015311.3 (MANE Select); coding-DNA position 5404, G replaced by C.
Protein change: p.Glu1802Gln; replaces glutamic acid 1802 with glutamine.
Molecular consequence: missense variant.
Genome position (GRCh38, 1-based): chr2:219,552,121, C>G on the plus strand (G>C on the coding strand, the complement: OBSL1 is on the minus strand). VCF-style: chr2-219552121-C-G. GRCh37 (hg19) VCF-style: chr2-220416843-C-G.
Other names: short protein forms E1802Q.
Identifiers: ClinVar variation 2416365 (VCV002416365.3), dbSNP rs537840150, ClinGen allele CA2130258.